The following is an entry in ClinVar:

NM_002769.5(PRSS1):c.300C>G (p.Asp100Glu)

Genes: TRB (T cell receptor beta locus; plus strand), PRSS1 (serine protease 1; plus strand). Cytogenetic location: 7q34.
Variant type: single nucleotide variant.
Coding change: c.300C>G on transcript NM_002769.5 (MANE Select); coding-DNA position 300, C replaced by G.
Protein change: p.Asp100Glu; replaces aspartic acid 100 with glutamic acid.
Molecular consequence: missense variant. On other transcripts: non-coding transcript variant (4).
Genome position (GRCh38, 1-based): chr7:142,751,873, C>G. VCF-style: chr7-142751873-C-G. GRCh37 (hg19) VCF-style: chr7-142459724-C-G.
Other names: short protein forms D100E.
Identifiers: ClinVar variation 1798781 (VCV001798781.2), dbSNP rs753600288, ClinGen allele CA369608722.

ClinVar aggregate classification (germline): Uncertain significance (1 of 4 stars; one submission).

Conditions:
Hereditary pancreatitis (PCTT). Also called: Hereditary chronic pancreatitis; PRSS1-Related Hereditary Pancreatitis. Identifiers: Orphanet 676, MedGen C0238339, MONDO:0008185, OMIM 167800.

gnomAD v4.1: 8 of 1,614,094 alleles (0.0005%); highest among the groups gnomAD compares: Non-Finnish European, 0.00068%; no homozygotes.

Submission:

Ambry Genetics
Classification: Uncertain significance for Hereditary pancreatitis. Last evaluated: 2022-02-13. Review status: criteria provided, single submitter. Criteria: Ambry Variant Classification Scheme 2023. Collection method: clinical testing. Allele origin: germline.
Comment: The p.D100E variant (also known as c.300C>G), located in coding exon 3 of the PRSS1 gene, results from a C to G substitution at nucleotide position 300. The aspartic acid at codon 100 is replaced by glutamic acid, an amino acid with highly similar properties. This amino acid position is conserved. In addition, the in silico prediction for this alteration is inconclusive. Since supporting evidence is limited at this time, the clinical significance of this alteration remains unclear.